The following is an entry in ClinVar:

NM_001042492.3(NF1):c.6147_6147+4del

Gene: NF1 (neurofibromin 1; plus strand). Cytogenetic location: 17q11.2.
Variant type: Deletion.
Coding change: c.6147_6147+4del on transcript NM_001042492.3 (MANE Select); coding-DNA position 6147 through 4 bases into the intron after coding-DNA position 6147, 5 bases deleted (GGTAA; older notation c.6147_6147+4delGGTAA).
Molecular consequence: splice donor variant.
Genome position (GRCh38, 1-based): chr17:31,336,473-31,336,477, GGTAA deleted; deleting any 5 consecutive bases within chr17:31,336,471-31,336,477 gives the same sequence; the c. name uses the placement nearest the transcript's 3' end. VCF-style (leftmost placement, unchanged base first): chr17-31336470-CAAGGT-C. GRCh37 (hg19) VCF-style: chr17-29663488-CAAGGT-C.
Other names: c.6084_6084+4del (NM_000267.4).
Identifiers: ClinVar variation 939693 (VCV000939693.5), dbSNP rs2069671900, ClinGen allele CA1139665403.

ClinVar aggregate classification (germline): Pathogenic (1 of 4 stars; one submission).

Conditions:
Neurofibromatosis, type 1 (NF1). Also called: Peripheral type neurofibromatosis; VON RECKLINGHAUSEN DISEASE; Neurofibromatosis, type I; NEUROFIBROMATOSIS, TYPE I, SOMATIC. Identifiers: Orphanet 636, MedGen C0027831, MONDO:0018975, OMIM 162200. Disease mechanism: loss of function.

Submission:

Labcorp Genetics (formerly Invitae), Labcorp
Classification: Pathogenic for Neurofibromatosis, type 1. Last evaluated: 2019-09-06. Review status: criteria provided, single submitter. Criteria: Invitae Variant Classification Sherloc (09022015). Collection method: clinical testing. Allele origin: germline.
Comment: For these reasons, this variant has been classified as Pathogenic. This sequence change affects donor splice site in intron 40 of the NF1 gene. It is expected to disrupt RNA splicing and likely results in an absent or disrupted protein product. This variant is not present in population databases (ExAC no frequency). Disruption of this splice site has been observed in individuals affected with neurofibromatosis type 1 (PMID: 22222937, Invitae). Algorithms developed to predict the effect of sequence changes on RNA splicing suggest that this variant may disrupt the consensus splice site, but this prediction has not been confirmed by published transcriptional studies. Donor and acceptor splice site variants typically lead to a loss of protein function (PMID: 16199547), and loss-of-function variants in NF1 are known to be pathogenic (PMID: 10712197, 23913538).

Literature cited by the submitters: PubMed 22222937; PubMed 16199547; PubMed 10712197; PubMed 23913538.